The following is an entry in ClinVar:

NM_017827.4(SARS2):c.694C>T (p.Arg232Cys)

Gene: SARS2 (seryl-tRNA synthetase 2, mitochondrial; minus strand). Cytogenetic location: 19q13.2.
Variant type: single nucleotide variant.
Coding change: c.694C>T on transcript NM_017827.4 (MANE Select); coding-DNA position 694, C replaced by T.
Protein change: p.Arg232Cys; replaces arginine 232 with cysteine.
Molecular consequence: missense variant.
Genome position (GRCh38, 1-based): chr19:38,919,827, G>A on the plus strand (C>T on the coding strand, the complement: SARS2 is on the minus strand). VCF-style: chr19-38919827-G-A. GRCh37 (hg19) VCF-style: chr19-39410467-G-A.
Other names: c.700C>T, p.Arg234Cys (NM_001145901.2); short protein forms R232C, R234C.
Identifiers: ClinVar variation 432690 (VCV000432690.7), dbSNP rs201347156, ClinGen allele CA9423065.

ClinVar aggregate classification (germline): Conflicting classifications of pathogenicity. Review status: criteria provided, conflicting classifications (1 of 4 stars). 2 submissions from 2 submitters: Likely pathogenic (1); Uncertain significance (1). Last evaluated 2024-01-25.

Conditions:
Hyperuricemia, pulmonary hypertension, renal failure, alkalosis syndrome (HUPRAS). Also called: HYPERURICEMIA, PULMONARY HYPERTENSION, RENAL FAILURE, AND ALKALOSIS SYNDROME; HUPRA SYNDROME. Identifiers: Orphanet 363694, MedGen C3151209, MONDO:0013458, OMIM 613845.

Allele frequency attached by ClinVar (database versions not stated): ExAC 0.00002; gnomAD exomes 0.00002; TOPMed 0.00002; gnomAD 0.00003 and 0.00004; ESP Exome Variant Server 0.00008.

Submissions (2):

GeneDx
Classification: Likely pathogenic. Last evaluated: 2024-01-25. Review status: criteria provided, single submitter. Criteria: GeneDx Variant Classification Process June 2021. Collection method: clinical testing. Allele origin: germline. Affected: yes.
Comment: Has not been previously published as pathogenic or benign to our knowledge; In silico analysis supports that this missense variant has a deleterious effect on protein structure/function; This variant is associated with the following publications: (PMID: 31589614)

Labcorp Genetics (formerly Invitae), Labcorp
Classification: Uncertain significance. Last evaluated: 2021-09-04. Review status: criteria provided, single submitter. Criteria: Invitae Variant Classification Sherloc (09022015). Collection method: clinical testing. Allele origin: germline.
Comment: This sequence change replaces arginine with cysteine at codon 232 of the SARS2 protein (p.Arg232Cys). The arginine residue is moderately conserved and there is a large physicochemical difference between arginine and cysteine. This variant is present in population databases (rs201347156, ExAC 0.02%). This variant has not been reported in the literature in individuals affected with SARS2-related conditions. ClinVar contains an entry for this variant (Variation ID: 432690). Algorithms developed to predict the effect of missense changes on protein structure and function are either unavailable or do not agree on the potential impact of this missense change (SIFT: "Deleterious"; PolyPhen-2: "Benign"; Align-GVGD: "Class C15"). Algorithms developed to predict the effect of sequence changes on RNA splicing suggest that this variant may create or strengthen a splice site. In summary, the available evidence is currently insufficient to determine the role of this variant in disease. Therefore, it has been classified as a Variant of Uncertain Significance.